The following is an entry in ClinVar:

ClinVar aggregate classification (germline): Conflicting classifications of pathogenicity. Review status: criteria provided, conflicting classifications (1 of 4 stars). 2 submissions from 2 submitters: Uncertain significance (1); Likely benign (1). Last evaluated 2025-03-21.

Conditions:
Cardiovascular phenotype. Identifiers: MedGen CN230736.
Long QT syndrome (LQTS). Identifiers: MedGen C0023976, MeSH D008133, MONDO:0002442. Disease mechanism: loss of function. Inheritance: Various modes of inheritance.

Allele frequency attached by ClinVar (database versions not stated): gnomAD 0.00001.
gnomAD v4.1: 1 of 1,614,028 alleles (0.000062%); highest among the groups gnomAD compares: East Asian, 0.0022%; no homozygotes.

Submissions (2):

Ambry Genetics
Classification: Likely benign for Cardiovascular phenotype. Last evaluated: 2025-03-21. Review status: criteria provided, single submitter. Criteria: Ambry Variant Classification Scheme 2023. Collection method: clinical testing. Allele origin: germline.

Labcorp Genetics (formerly Invitae), Labcorp
Classification: Uncertain significance for Long QT syndrome. Last evaluated: 2022-12-23. Review status: criteria provided, single submitter. Criteria: Invitae Variant Classification Sherloc (09022015). Collection method: clinical testing. Allele origin: germline.
Comment: This sequence change replaces valine, which is neutral and non-polar, with methionine, which is neutral and non-polar, at codon 3160 of the AKAP9 protein (p.Val3160Met). This variant is present in population databases (no rsID available, gnomAD 0.06%). This variant has not been reported in the literature in individuals affected with AKAP9-related conditions. Algorithms developed to predict the effect of missense changes on protein structure and function (SIFT, PolyPhen-2, Align-GVGD) all suggest that this variant is likely to be tolerated. In summary, the available evidence is currently insufficient to determine the role of this variant in disease. Therefore, it has been classified as a Variant of Uncertain Significance.

NM_005751.5(AKAP9):c.9478G>A (p.Val3160Met)

Gene: AKAP9 (A-kinase anchoring protein 9; plus strand). Cytogenetic location: 7q21.2.
Variant type: single nucleotide variant.
Coding change: c.9478G>A on transcript NM_005751.5 (MANE Select); coding-DNA position 9478, G replaced by A.
Protein change: p.Val3160Met; replaces valine 3160 with methionine.
Molecular consequence: missense variant.
Genome position (GRCh38, 1-based): chr7:92,093,216, G>A. VCF-style: chr7-92093216-G-A. GRCh37 (hg19) VCF-style: chr7-91722530-G-A.
Other names: c.4123G>A, p.Val1375Met (NM_001379277.1); c.9454G>A, p.Val3152Met (NM_147185.3); short protein forms V3152M, V1375M, V3160M.
Identifiers: ClinVar variation 2722459 (VCV002722459.5), dbSNP rs1315830175, ClinGen allele CA368148115.